The following is an entry in ClinVar:

NM_007028.5(TRIM31):c.318C>T (p.Cys106=)

Genes: TRIM31 (tripartite motif containing 31; minus strand), TRIM31-AS1 (TRIM31 antisense RNA 1; plus strand). Cytogenetic location: 6p22.1.
Variant type: single nucleotide variant.
Coding change: c.318C>T on transcript NM_007028.5 (MANE Select); coding-DNA position 318, C replaced by T.
Protein change: p.Cys106=; no amino-acid change (cysteine 106 retained).
Molecular consequence: synonymous variant. On other transcripts: non-coding transcript variant (2).
Genome position (GRCh38, 1-based): chr6:30,112,488, G>A on the plus strand (C>T on the coding strand, the complement: TRIM31 is on the minus strand). VCF-style: chr6-30112488-G-A. GRCh37 (hg19) VCF-style: chr6-30080265-G-A.
Other names: NC_000006.11:g.30080265G>A; c.318C>T, p.Cys106= (NM_052816.2).
Identifiers: ClinVar variation 2656334 (VCV002656334.25), dbSNP rs772682330, ClinGen allele CA3694844.

ClinVar aggregate classification (germline): Likely benign (1 of 4 stars; one submission).

Allele frequency attached by ClinVar (database versions not stated): gnomAD 0.00008.
gnomAD v4.1: 140 of 1,612,992 alleles (0.0087%); highest among the groups gnomAD compares: Non-Finnish European, 0.0096%; no homozygotes.

Submissions (2):

CeGaT Center for Human Genetics Tuebingen
Classification: Likely benign. Last evaluated: 2022-08-01. Review status: criteria provided, single submitter. Criteria: CeGaT Center For Human Genetics Tuebingen Variant Classification Criteria Version 2. Collection method: clinical testing. Allele origin: germline. Affected: yes. Observed: 1 variant allele.
Comment: TRIM31: BP4, BP7

Dr. Peter K. Rogan Lab, Western University
No classification provided (evidence only). Condition: Gastric cancer. Review status: no classification provided. Collection method: in vitro. Allele origin: not applicable. Functional consequence: retained intron. Not counted in ClinVar's aggregate classification.